The following is an entry in ClinVar:

ClinVar aggregate classification (germline): Conflicting classifications of pathogenicity. Review status: criteria provided, conflicting classifications (1 of 4 stars). 2 submissions from 2 submitters: Uncertain significance (1); Likely benign (1). Last evaluated 2023-04-01.

Conditions:
Congenital muscular hypertrophy-cerebral syndrome (CDLS2). Also called: Cornelia de Lange syndrome 2; SMC1A-Related Cornelia de Lange Syndrome. Identifiers: Orphanet 199, MedGen C1802395, MONDO:0010370, OMIM 300590.

Allele frequency attached by ClinVar (database versions not stated): gnomAD 0.00055 and 0.00057; TOPMed 0.00063.

Submissions (2):

CeGaT Center for Human Genetics Tuebingen
Classification: Likely benign. Last evaluated: 2023-04-01. Review status: criteria provided, single submitter. Criteria: CeGaT Center For Human Genetics Tuebingen Variant Classification Criteria Version 2. Collection method: clinical testing. Allele origin: germline. Affected: yes. Observed: 1 variant allele.
Comment: SMC1A: BS2

Illumina Laboratory Services, Illumina
Classification: Uncertain significance for Congenital muscular hypertrophy-cerebral syndrome. Last evaluated: 2018-01-13. Review status: criteria provided, single submitter. Criteria: ICSL Variant Classification Criteria 13 December 2019. Collection method: clinical testing. Allele origin: germline.

NM_006306.4(SMC1A):c.*4382A>G

Gene: SMC1A (structural maintenance of chromosomes 1A; minus strand). Cytogenetic location: Xp11.22.
Variant type: single nucleotide variant.
Coding change: c.*4382A>G on transcript NM_006306.4 (MANE Select); 4382 bases downstream of the stop codon, A replaced by G.
Molecular consequence: 3 prime UTR variant.
Genome position (GRCh38, 1-based): chrX:53,375,721, T>C on the plus strand (A>G on the coding strand, the complement: SMC1A is on the minus strand). VCF-style: chrX-53375721-T-C. GRCh37 (hg19) VCF-style: chrX-53402642-T-C.
Other names: c.*4382A>G (NM_001281463.1).
Identifiers: ClinVar variation 368555 (VCV000368555.29), dbSNP rs906340789, ClinGen allele CA10652000.